The following is an entry in ClinVar:

ClinVar aggregate classification (germline): Pathogenic (1 of 4 stars; one submission).

Submission:

Illumina Laboratory Services, Illumina
Classification: Pathogenic. Last evaluated: 2019-01-17. Review status: criteria provided, single submitter. Criteria: ICSL CNVClassificationCriteria Jul2020Prior. Collection method: clinical testing. Allele origin: unknown.
Comment: This CNV is a 11.4 Mb duplication of 5p13.2-p12 on chromosome 5, (seq[GRCh37]dup(5)(p13.2p12); chr5:g.34984696_46405042dup), encompassing at least 50 genes. This CNV overlaps the 5p13 duplication syndrome resulting from small supernumerary marker chromosome 5 (SMC5), which is a rare disorder and has been reported in less than 50 cases worldwide (Camerota et al. 2017; Armstrong et al. 2018). 70% of all SMCs are de novo, while the inheritance pattern of SMC5 is unclear. Common features of the 5p13 duplication syndrome include macrocephaly, dysmorphic facial features, heart defects, growth retardation, hypotonia, and intellectual disability. Additional features in some patients include polyhydramnios during pregnancy and obesity. Similar CNVs have been reported across several studies in individuals with duplications of the size of 0.25-22 Mb (Yan et al. 2009; Novara et al. 2013; Camerota et al. 2017; Armstrong et al. 2018). These individuals were mostly affected with developmental delay, low birth weight but became overweight in adulthood, hypotonia and seizures, craniofacial dysmorphic features including microbrachycephaly, frontal bossing, a short philtrum and low-set ears. This CNV has not been reported in controls. This CNV includes gain of the NIPBL gene, which has also been seen in all of the above cases. Variants in this gene resulting in haploinsufficiency are known to cause Cornelia de Lange syndrome and it is unclear how a gain of this gene would result in the 5p13 duplication syndrome (Yan et al. 2009). This region of the chromosome has been shown to be susceptible to segmental duplication (Courseaux et al. 2003). Based on the collective evidence, this CNV is classified as pathogenic.

Literature cited by the submitters: PubMed 12618367; PubMed 19052029; PubMed 23085304; PubMed 29141250; PubMed 29599822.

GRCh37/hg19 5p13.2-11(chr5:34984696-46405042)x3

Genes: GDNF-AS1 (GDNF antisense RNA 1; plus strand), GHR (growth hormone receptor; plus strand), HCN1 (hyperpolarization activated cyclic nucleotide gated potassium channel 1; minus strand), HMGCS1 (3-hydroxy-3-methylglutaryl-CoA synthase 1; minus strand), IL7R (interleukin 7 receptor; plus strand) and 48 more. Cytogenetic location: 5p13.2-11.
Variant type: copy number gain.
Change: copy number 3 (three copies instead of two) of chr5:34,984,696-46,405,042 (11.42 Mb, GRCh37 coordinates, 1-based), cytogenetic band 5p13.2-11.
Identifiers: ClinVar variation 1180548 (VCV001180548.4).